The following is an entry in ClinVar:

ClinVar aggregate classification (germline): Uncertain significance. Review status: criteria provided, multiple submitters, no conflicts (2 of 4 stars). 2 submissions from 2 submitters: Uncertain significance (2). Last evaluated 2025-07-09.

Conditions:
Hypertrophic cardiomyopathy 20. Identifiers: MedGen C3151267, MONDO:0013477, OMIM 613876.
Dilated cardiomyopathy 1CC (CMD1CC). Identifiers: Orphanet 154, MedGen C2751084, MONDO:0013147, OMIM 613122.
Cardiovascular phenotype. Identifiers: MedGen CN230736.

Allele frequency attached by ClinVar (database versions not stated): TOPMed 0.00002.
gnomAD v4.1: 7 of 1,613,894 alleles (0.00043%); highest among the groups gnomAD compares: Admixed American, 0.012%; no homozygotes.

Submissions (2):

Ambry Genetics
Classification: Uncertain significance for Cardiovascular phenotype. Last evaluated: 2025-07-09. Review status: criteria provided, single submitter. Criteria: Ambry Variant Classification Scheme 2023. Collection method: clinical testing. Allele origin: germline.
Comment: The p.E115D variant (also known as c.345G>T), located in coding exon 4 of the NEXN gene, results from a G to T substitution at nucleotide position 345. The glutamic acid at codon 115 is replaced by aspartic acid, an amino acid with highly similar properties. This amino acid position is conserved. In addition, this alteration is predicted to be tolerated by in silico analysis. Based on the available evidence, the clinical significance of this variant remains unclear.

Labcorp Genetics (formerly Invitae), Labcorp
Classification: Uncertain significance for Dilated cardiomyopathy 1CC; Hypertrophic cardiomyopathy 20. Last evaluated: 2021-12-17. Review status: criteria provided, single submitter. Criteria: Invitae Variant Classification Sherloc (09022015). Collection method: clinical testing. Allele origin: germline.
Comment: This sequence change replaces glutamic acid, which is acidic and polar, with aspartic acid, which is acidic and polar, at codon 115 of the NEXN protein (p.Glu115Asp). This variant is present in population databases (rs755584968, gnomAD 0.01%). This variant has not been reported in the literature in individuals affected with NEXN-related conditions. Algorithms developed to predict the effect of missense changes on protein structure and function (SIFT, PolyPhen-2, Align-GVGD) all suggest that this variant is likely to be tolerated. In summary, the available evidence is currently insufficient to determine the role of this variant in disease. Therefore, it has been classified as a Variant of Uncertain Significance.

NM_144573.4(NEXN):c.345G>T (p.Glu115Asp)

Genes: NEXN (nexilin F-actin binding protein; plus strand), LOC126805765 (BRD4-independent group 4 enhancer GRCh37_chr1:78383688-78384887; plus strand). Cytogenetic location: 1p31.1.
Variant type: single nucleotide variant.
Coding change: c.345G>T on transcript NM_144573.4 (MANE Select); coding-DNA position 345, G replaced by T.
Protein change: p.Glu115Asp; replaces glutamic acid 115 with aspartic acid.
Molecular consequence: missense variant.
Genome position (GRCh38, 1-based): chr1:77,918,171, G>T. VCF-style: chr1-77918171-G-T. GRCh37 (hg19) VCF-style: chr1-78383856-G-T.
Other names: c.153G>T, p.Glu51Asp (NM_001172309.2); short protein forms E115D, E51D.
Identifiers: ClinVar variation 2198570 (VCV002198570.5), dbSNP rs755584968, ClinGen allele CA918622.